The following is an entry in ClinVar:

NM_005188.4(CBL):c.*4931T>C

Gene: CBL (Cbl proto-oncogene; plus strand). Cytogenetic location: 11q23.3.
Variant type: single nucleotide variant.
Coding change: c.*4931T>C on transcript NM_005188.4 (MANE Select); 4931 bases downstream of the stop codon, T replaced by C.
Molecular consequence: 3 prime UTR variant.
Genome position (GRCh38, 1-based): chr11:119,304,712, T>C. VCF-style: chr11-119304712-T-C. GRCh37 (hg19) VCF-style: chr11-119175422-T-C.
Identifiers: ClinVar variation 302858 (VCV000302858.6), dbSNP rs2510145, ClinGen allele CA10630013.
Genomic context (GRCh38, chr11:119,304,712, plus strand): 5'-AGTCTCGCTGTGTCGCCCAGGCTGGAGTGCAGTGGTGCAGTCTCAACTCACCACAACCTC[T>C]GCCTCCCAGGTTCAAGCAGTTCTCTGCCTCAACCTCCCGAGTAGCTGGGATTACAGGCGC-3'

ClinVar aggregate classification (germline): Benign. Review status: criteria provided, multiple submitters, no conflicts (2 of 4 stars). 2 submissions from 2 submitters: Benign (2). Last evaluated 2018-01-12.

Conditions:
CBL-related disorder. Also called: NOONAN SYNDROME-LIKE DISORDER WITHOUT JUVENILE MYELOMONOCYTIC LEUKEMIA; CBL MUTATION-ASSOCIATED SYNDROME; CBL SYNDROME. Identifiers: Orphanet 363972, MedGen C3150803, MONDO:0013308, OMIM 613563.

Allele frequency attached by ClinVar (database versions not stated): gnomAD 0.99416 and 0.99434; TOPMed 0.99476; 1000 Genomes Project 30x 0.99813; 1000 Genomes Project 0.99940.
gnomAD v4.1: 201,566 of 202,688 alleles (99%); highest among the groups gnomAD compares: Middle Eastern, 100%; 100,224 homozygotes.

Submissions (2):

Illumina Laboratory Services, Illumina
Classification: Benign for CBL-related disorder. Last evaluated: 2018-01-12. Review status: criteria provided, single submitter. Criteria: ICSL Variant Classification Criteria 13 December 2019. Collection method: clinical testing. Allele origin: germline.
Comment: This variant was observed in the ICSL laboratory as part of a predisposition screen in an ostensibly healthy population. It had not been previously curated by ICSL or reported in the Human Gene Mutation Database (HGMD: prior to June 1st, 2018), and was therefore a candidate for classification through an automated scoring system. Utilizing variant allele frequency, disease prevalence and penetrance estimates, and inheritance mode, an automated score was calculated to assess if this variant is too frequent to cause the disease. Based on the score and internal cut-off values, a variant classified as benign is not then subjected to further curation. The score for this variant resulted in a classification of benign for this disease.

Breakthrough Genomics
Classification: Benign. Review status: criteria provided, single submitter. Criteria: ACMG Guidelines, 2015. Collection method: not provided. Allele origin: germline. Inheritance: Autosomal dominant inheritance. Affected: yes.